The following is an entry in ClinVar:

NM_001034853.2(RPGR):c.2843G>A (p.Gly948Glu)

Gene: RPGR (retinitis pigmentosa GTPase regulator; minus strand). Cytogenetic location: Xp11.4.
Variant type: single nucleotide variant.
Coding change: c.2843G>A on transcript NM_001034853.2 (MANE Select); coding-DNA position 2843, G replaced by A.
Protein change: p.Gly948Glu; replaces glycine 948 with glutamic acid.
Molecular consequence: missense variant. On other transcripts: intron variant (8).
Genome position (GRCh38, 1-based): chrX:38,286,156, C>T on the plus strand (G>A on the coding strand, the complement: RPGR is on the minus strand). VCF-style: chrX-38286156-C-T. GRCh37 (hg19) VCF-style: chrX-38145409-C-T.
Other names: c.1569+4803G>A (NM_001367249.1, NM_001367250.1); c.1902+938G>A (NM_001367245.1); c.1386+4803G>A (NM_001367251.1); c.1719+938G>A (NM_001367246.1); c.1572+4803G>A (NM_001367247.1); c.1905+938G>A (NM_000328.3); c.1602+4803G>A (NM_001367248.1); short protein forms G948E.
Identifiers: ClinVar variation 3671294 (VCV003671294.3).

ClinVar aggregate classification (germline): Uncertain significance. Review status: criteria provided, multiple submitters, no conflicts (2 of 4 stars). 2 submissions from 2 submitters: Uncertain significance (2). Last evaluated 2025-08-09.

Conditions:
Primary ciliary dyskinesia. Also called: Ciliary dyskinesia. Identifiers: Orphanet 244, MedGen C0008780, MONDO:0016575, HP:0012265.

Submissions (2):

Labcorp Genetics (formerly Invitae), Labcorp
Classification: Uncertain significance for Primary ciliary dyskinesia. Last evaluated: 2025-08-09. Review status: criteria provided, single submitter. Criteria: Invitae Variant Classification Sherloc (09022015). Collection method: clinical testing. Allele origin: germline.
Comment: This sequence change replaces glycine, which is neutral and non-polar, with glutamic acid, which is acidic and polar, at codon 948 of the RPGR (ORF15) protein (p.Gly948Glu). The frequency data for this variant in the population databases is considered unreliable, as metrics indicate poor data quality at this position in the gnomAD database. This variant has not been reported in the literature in individuals affected with RPGR (ORF15)-related conditions. ClinVar contains an entry for this variant (Variation ID: 3671294). Invitae Evidence Modeling of protein sequence and biophysical properties (such as structural, functional, and spatial information, amino acid conservation, physicochemical variation, residue mobility, and thermodynamic stability) indicates that this missense variant is not expected to disrupt RPGR (ORF15) protein function with a negative predictive value of 95%. In summary, the available evidence is currently insufficient to determine the role of this variant in disease. Therefore, it has been classified as a Variant of Uncertain Significance.

Blueprint Genetics
Classification: Uncertain significance. Last evaluated: 2018-07-17. Review status: criteria provided, single submitter. Criteria: ACMG Guidelines, 2015. Collection method: clinical testing. Allele origin: germline.